The following is an entry in ClinVar:

NM_007186.6(CEP250):c.3718G>A (p.Ala1240Thr)

Gene: CEP250 (centrosomal protein 250; plus strand). Cytogenetic location: 20q11.22.
Variant type: single nucleotide variant.
Coding change: c.3718G>A on transcript NM_007186.6 (MANE Select); coding-DNA position 3718, G replaced by A.
Protein change: p.Ala1240Thr; replaces alanine 1240 with threonine.
Molecular consequence: missense variant.
Genome position (GRCh38, 1-based): chr20:35,498,657, G>A. VCF-style: chr20-35498657-G-A. GRCh37 (hg19) VCF-style: chr20-34086486-G-A.
Other names: c.1822G>A, p.Ala608Thr (NM_001318219.1); short protein forms A608T, A1240T.
Identifiers: ClinVar variation 3018448 (VCV003018448.3), dbSNP rs1268114329, ClinGen allele CA408745198.
Genomic context (GRCh38, chr20:35,498,657, plus strand): 5'-CAGAATGGAGCTAGGAGCCTCTTTAAGAGAGGGCCCCTGCTGACTGCTCTCTCCGCTGAG[G>A]CAGTAGCATCTGCCCTCCACAAGCTTCATCAAGACCTGTGGAAGACTCAACAGACCCGGG-3'
Protein context (NP_009117.2, residues 1230-1250): GPLLTALSAE[Ala1240Thr]VASALHKLHQ

ClinVar aggregate classification (germline): Uncertain significance (1 of 4 stars; one submission).

Allele frequency attached by ClinVar (database versions not stated): gnomAD 0.00001.
gnomAD v4.1: 2 of 1,607,960 alleles (0.00012%); highest among the groups gnomAD compares: Non-Finnish European, 0.000085%; no homozygotes.

Submission:

Labcorp Genetics (formerly Invitae), Labcorp
Classification: Uncertain significance. Last evaluated: 2023-02-24. Review status: criteria provided, single submitter. Criteria: Invitae Variant Classification Sherloc (09022015). Collection method: clinical testing. Allele origin: germline.
Comment: This sequence change replaces alanine, which is neutral and non-polar, with threonine, which is neutral and polar, at codon 1240 of the CEP250 protein (p.Ala1240Thr). This variant is present in population databases (no rsID available, gnomAD 0.007%). In summary, the available evidence is currently insufficient to determine the role of this variant in disease. Therefore, it has been classified as a Variant of Uncertain Significance. An algorithm developed to predict the effect of missense changes on protein structure and function (PolyPhen-2) suggests that this variant is likely to be tolerated. This variant has not been reported in the literature in individuals affected with CEP250-related conditions.